The following is an entry in ClinVar:

ClinVar aggregate classification (germline): Benign (1 of 4 stars; one submission).

Conditions:
Qualitative or quantitative defects of delta-sarcoglycan. Identifiers: Orphanet 207070, MedGen C5680806, MONDO:0016144.

Allele frequency attached by ClinVar (database versions not stated): gnomAD 0.03526 and 0.03775; TOPMed 0.03968; 1000 Genomes Project 0.04413; 1000 Genomes Project 30x 0.04856.

Submission:

Illumina Laboratory Services, Illumina
Classification: Benign for Qualitative or quantitative defects of delta-sarcoglycan. Last evaluated: 2018-01-13. Review status: criteria provided, single submitter. Criteria: ICSL Variant Classification Criteria 13 December 2019. Collection method: clinical testing. Allele origin: germline.
Comment: This variant was observed in the ICSL laboratory as part of a predisposition screen in an ostensibly healthy population. It had not been previously curated by ICSL or reported in the Human Gene Mutation Database (HGMD: prior to June 1st, 2018), and was therefore a candidate for classification through an automated scoring system. Utilizing variant allele frequency, disease prevalence and penetrance estimates, and inheritance mode, an automated score was calculated to assess if this variant is too frequent to cause the disease. Based on the score and internal cut-off values, a variant classified as benign is not then subjected to further curation. The score for this variant resulted in a classification of benign for this disease.

NM_000337.6(SGCD):c.*4498G>A

Gene: SGCD (sarcoglycan delta; plus strand). Cytogenetic location: 5q33.3.
Variant type: single nucleotide variant.
Coding change: c.*4498G>A on transcript NM_000337.6 (MANE Select); 4498 bases downstream of the stop codon, G replaced by A.
Molecular consequence: 3 prime UTR variant.
Genome position (GRCh38, 1-based): chr5:156,763,888, G>A. VCF-style: chr5-156763888-G-A. GRCh37 (hg19) VCF-style: chr5-156190899-G-A.
Other names: c.*4498G>A (NM_001128209.2).
Identifiers: ClinVar variation 352391 (VCV000352391.6), dbSNP rs73304958, ClinGen allele CA10619799.